The following is an entry in ClinVar:

ClinVar aggregate classification (germline): Likely pathogenic. Review status: criteria provided, multiple submitters, no conflicts (2 of 4 stars). 5 submissions from 5 submitters: Likely pathogenic (4). 1 of the submissions does not count toward it. Last evaluated 2025-09-02.

Conditions:
Aspartylglucosaminuria (AGU). Also called: GLYCOASPARAGINASE; GLYCOSYLASPARAGINASE DEFICIENCY; Aspartylglucos-aminuria; Aspartylglucos-amidase (AGA) deficiency; AGA DEFICIENCY. Identifiers: Orphanet 93, MedGen C0268225, MONDO:0008830, OMIM 208400, HP:0012068.

Allele frequency attached by ClinVar (database versions not stated): gnomAD 0.00001; TOPMed below 0.00001.

Submissions (5):

Natera, Inc.
Classification: Likely pathogenic for Aspartylglucosaminuria. Last evaluated: 2025-09-02. Review status: criteria provided, single submitter. Criteria: Natera Variant Classification Schema (03/2026). Collection method: clinical testing. Allele origin: germline.
Comment: The c.508-2A>G variant in AGA is a canonical splice acceptor site variant predicted to affect pre-mRNA splicing, which may result in an abnormal transcript and altered protein product. This variant is expected to result in nonsense mediated decay, truncation, or a dysfunctional protein product. This variant is rare in the general population with a frequency below the threshold expected for the associated phenotype(s). Given the available evidence, this variant is classified as Likely Pathogenic.

Baylor Genetics
Classification: Likely pathogenic for Aspartylglucosaminuria. Last evaluated: 2023-10-25. Review status: criteria provided, single submitter. Criteria: ACMG Guidelines, 2015. Collection method: clinical testing. Allele origin: unknown.

Labcorp Genetics (formerly Invitae), Labcorp
Classification: Likely pathogenic for Aspartylglucosaminuria. Last evaluated: 2023-02-02. Review status: criteria provided, single submitter. Criteria: Invitae Variant Classification Sherloc (09022015). Collection method: clinical testing. Allele origin: germline.
Comment: Algorithms developed to predict the effect of sequence changes on RNA splicing suggest that this variant may disrupt the consensus splice site. In summary, the currently available evidence indicates that the variant is pathogenic, but additional data are needed to prove that conclusively. Therefore, this variant has been classified as Likely Pathogenic. This variant has not been reported in the literature in individuals affected with AGA-related conditions. This variant is not present in population databases (gnomAD no frequency). ClinVar contains an entry for this variant (Variation ID: 373678). This sequence change affects an acceptor splice site in intron 4 of the AGA gene. It is expected to disrupt RNA splicing. Variants that disrupt the donor or acceptor splice site typically lead to a loss of protein function (PMID: 16199547), and loss-of-function variants in AGA are known to be pathogenic (PMID: 7627186, 11309371).

GeneDx
Classification: Likely pathogenic. Last evaluated: 2016-12-05. Review status: criteria provided, single submitter. Criteria: GeneDx Variant Classification (06012015). Collection method: clinical testing. Allele origin: germline. Affected: yes.
Comment: The c.508-2A>G variant in the AGA gene has not been reported previously as a pathogenic variant nor as a benign variant, to our knowledge. This splice site variant destroys the canonical splice acceptor site for intron 4. It is predicted to cause abnormal gene splicing, either leading to an abnormal message that is subject to nonsense-mediated mRNA decay, or to an abnormal protein product if the message is used for protein translation. The c.508-2A>G variant was not observed in approximately 6500 individuals of European and African American ancestry in the NHLBI Exome Sequencing Project, indicating it is not a common benign variant in these populations. The c.508-2A>G variant is a strong candidate for a pathogenic variant, however the possibility it may be a rare benign variant cannot be excluded.

Counsyl
Classification: Likely pathogenic for Aspartylglucosaminuria. Last evaluated: 2019-01-23. Review status: no assertion criteria provided. Collection method: clinical testing. Allele origin: unknown. Not counted in ClinVar's aggregate classification.

Literature cited by the submitters: PubMed 16199547 (cited by Labcorp Genetics (formerly Invitae), Labcorp); PubMed 7627186 (cited by Labcorp Genetics (formerly Invitae), Labcorp); PubMed 11309371 (cited by Labcorp Genetics (formerly Invitae), Labcorp).

NM_000027.4(AGA):c.508-2A>G

Gene: AGA (aspartylglucosaminidase; minus strand). Cytogenetic location: 4q34.3.
Variant type: single nucleotide variant.
Coding change: c.508-2A>G on transcript NM_000027.4 (MANE Select); the canonical splice acceptor site of the intron before coding-DNA position 508, A replaced by G.
Molecular consequence: splice acceptor variant.
Genome position (GRCh38, 1-based): chr4:177,437,521, T>C on the plus strand (A>G on the coding strand, the complement: AGA is on the minus strand). VCF-style: chr4-177437521-T-C. GRCh37 (hg19) VCF-style: chr4-178358675-T-C.
Other names: c.508-2A>G (NM_001171988.2).
Identifiers: ClinVar variation 373678 (VCV000373678.17), dbSNP rs986682657, ClinGen allele CA16042554.
Genomic context (GRCh38, chr4:177,437,521, plus strand): 5'-TTTAAGATACCAGGTGGTTTGTAGGGTCCGCAGTATTTTGAGGGATCTGGTATAACATTC[T>C]GTAAACAAGATTTAAGTTTTATTTCTTACAAAGGGTATTTTTAGAAATTGCCAAGAAATT-3'